The following is an entry in ClinVar:

NM_001273.5(CHD4):c.-2G>A

Gene: CHD4 (chromodomain helicase DNA binding protein 4; minus strand). Cytogenetic location: 12p13.31.
Variant type: single nucleotide variant.
Coding change: c.-2G>A on transcript NM_001273.5 (MANE Select); 2 bases upstream of the start codon, G replaced by A.
Molecular consequence: 5 prime UTR variant.
Genome position (GRCh38, 1-based): chr12:6,606,375, C>T on the plus strand (G>A on the coding strand, the complement: CHD4 is on the minus strand). VCF-style: chr12-6606375-C-T. GRCh37 (hg19) VCF-style: chr12-6715541-C-T.
Other names: c.-2G>A (NM_001297553.2, NM_001363606.2).
Identifiers: ClinVar variation 3352845 (VCV003352845.1).

ClinVar aggregate classification (germline): Likely benign (0 of 4 stars; one submission).

Conditions:
CHD4-related disorder. Also called: CHD4-related condition.

gnomAD v4.1: 43 of 1,567,964 alleles (0.0027%); highest among the groups gnomAD compares: Non-Finnish European, 0.0035%; no homozygotes.

Submission:

PreventionGenetics, part of Exact Sciences
Classification: Likely benign for CHD4-related condition. Last evaluated: 2019-03-21. Review status: no assertion criteria provided. Collection method: clinical testing. Allele origin: germline.
Comment: This variant is classified as likely benign based on ACMG/AMP sequence variant interpretation guidelines (Richards et al. 2015 PMID: 25741868, with internal and published modifications).